The following is an entry in ClinVar:

NM_000400.4(ERCC2):c.560A>C (p.Gln187Pro)

Gene: ERCC2 (ERCC excision repair 2, TFIIH core complex helicase subunit; minus strand). Cytogenetic location: 19q13.32.
Variant type: single nucleotide variant.
Coding change: c.560A>C on transcript NM_000400.4 (MANE Select); coding-DNA position 560, A replaced by C.
Protein change: p.Gln187Pro; replaces glutamine 187 with proline.
Molecular consequence: missense variant.
Genome position (GRCh38, 1-based): chr19:45,364,872, T>G on the plus strand (A>C on the coding strand, the complement: ERCC2 is on the minus strand). VCF-style: chr19-45364872-T-G. GRCh37 (hg19) VCF-style: chr19-45868130-T-G.
Other names: c.488A>C, p.Gln163Pro (NM_001130867.2); short protein forms Q187P, Q163P.
Identifiers: ClinVar variation 1748610 (VCV001748610.2), dbSNP rs1443812448, ClinGen allele CA406375660.

ClinVar aggregate classification (germline): Uncertain significance (1 of 4 stars; one submission).

Conditions:
Inborn genetic diseases. Identifiers: MedGen C0950123, MeSH D030342.

Allele frequency attached by ClinVar (database versions not stated): TOPMed below 0.00001.

Submission:

Ambry Genetics
Classification: Uncertain significance for Inborn genetic diseases. Last evaluated: 2022-10-19. Review status: criteria provided, single submitter. Criteria: Ambry Variant Classification Scheme 2023. Collection method: clinical testing. Allele origin: germline.
Comment: The p.Q187P variant (also known as c.560A>C), located in coding exon 7 of the ERCC2 gene, results from an A to C substitution at nucleotide position 560. The glutamine at codon 187 is replaced by proline, an amino acid with similar properties. This amino acid position is conserved. In addition, the in silico prediction for this alteration is inconclusive. Since supporting evidence is limited at this time, the clinical significance of this alteration remains unclear.